The following is an entry in ClinVar:

ClinVar aggregate classification (germline): Uncertain significance. Review status: criteria provided, multiple submitters, no conflicts (2 of 4 stars). 2 submissions from 2 submitters: Uncertain significance (2). Last evaluated 2024-03-12.

Conditions:
Hereditary cancer-predisposing syndrome. Also called: Hereditary neoplastic syndrome; Hereditary Cancer Syndrome; Tumor predisposition; Neoplastic Syndromes, Hereditary. Identifiers: Orphanet 140162, MedGen C0027672, MeSH D009386, MONDO:0015356.
Ataxia-telangiectasia syndrome (AT). Also called: ATAXIA-TELANGIECTASIA, FRESNO VARIANT; Ataxia-telangiectasia, complementation group E; Ataxia telangiectasia (A-T); LOUIS-BAR SYNDROME; Ataxia-telangiectasia, complementation group D; AT, COMPLEMENTATION GROUP C. Identifiers: Orphanet 100, MedGen C0004135, MONDO:0008840, OMIM 208900.

Submissions (2):

Ambry Genetics
Classification: Uncertain significance for Hereditary cancer-predisposing syndrome. Last evaluated: 2024-03-12. Review status: criteria provided, single submitter. Criteria: Ambry Variant Classification Scheme 2023. Collection method: clinical testing. Allele origin: germline.
Comment: The p.S1883F variant (also known as c.5648C>T), located in coding exon 36 of the ATM gene, results from a C to T substitution at nucleotide position 5648. The serine at codon 1883 is replaced by phenylalanine, an amino acid with highly dissimilar properties. This amino acid position is conserved. In addition, the in silico prediction for this alteration is inconclusive. Based on the available evidence, the clinical significance of this alteration remains unclear.

Labcorp Genetics (formerly Invitae), Labcorp
Classification: Uncertain significance for Ataxia-telangiectasia syndrome. Last evaluated: 2021-07-08. Review status: criteria provided, single submitter. Criteria: Invitae Variant Classification Sherloc (09022015). Collection method: clinical testing. Allele origin: germline.
Comment: Advanced modeling of protein sequence and biophysical properties (such as structural, functional, and spatial information, amino acid conservation, physicochemical variation, residue mobility, and thermodynamic stability) performed at Invitae indicates that this missense variant is not expected to disrupt ATM protein function. This variant has not been reported in the literature in individuals with ATM-related conditions. ClinVar contains an entry for this variant (Variation ID: 965861). In summary, the available evidence is currently insufficient to determine the role of this variant in disease. Therefore, it has been classified as a Variant of Uncertain Significance. This sequence change replaces serine with phenylalanine at codon 1883 of the ATM protein (p.Ser1883Phe). The serine residue is moderately conserved and there is a large physicochemical difference between serine and phenylalanine. This variant is not present in population databases (ExAC no frequency).

NM_000051.4(ATM):c.5648C>T (p.Ser1883Phe)

Gene: ATM (ATM serine/threonine kinase; plus strand). Cytogenetic location: 11q22.3.
Variant type: single nucleotide variant.
Coding change: c.5648C>T on transcript NM_000051.4 (MANE Select); coding-DNA position 5648, C replaced by T.
Protein change: p.Ser1883Phe; replaces serine 1883 with phenylalanine.
Molecular consequence: missense variant.
Genome position (GRCh38, 1-based): chr11:108,304,826, C>T. VCF-style: chr11-108304826-C-T. GRCh37 (hg19) VCF-style: chr11-108175553-C-T.
Other names: c.5648C>T, p.Ser1883Phe (NM_001351834.2); short protein forms S1883F.
Identifiers: ClinVar variation 965861 (VCV000965861.10), dbSNP rs2083605154, ClinGen allele CA382546483.
Genomic context (GRCh38, chr11:108,304,826, plus strand): 5'-CTACACATGTTCAGGGATTTTTCACCAGCTGTCTTCGACACTTCTCGCAAACGAGCCGAT[C>T]CACAACCCCTGCAAACTTGGATTCAGGTATTCTATTAAATTTTTAACATTAATACTGTAA-3'
Protein context (NP_000042.3, residues 1873-1893): CLRHFSQTSR[Ser1883Phe]TTPANLDSES